The following is an entry in ClinVar:

ClinVar aggregate classification (germline): Uncertain significance (1 of 4 stars; one submission).

Allele frequency attached by ClinVar (database versions not stated): ExAC 0.00001; gnomAD 0.00001; gnomAD exomes 0.00001; TOPMed 0.00002; 1000 Genomes Project 30x 0.00016; 1000 Genomes Project 0.00020.
gnomAD v4.1: 8 of 1,613,936 alleles (0.0005%); highest among the groups gnomAD compares: East Asian, 0.0022%; no homozygotes.

Submission:

Labcorp Genetics (formerly Invitae), Labcorp
Classification: Uncertain significance. Last evaluated: 2022-09-15. Review status: criteria provided, single submitter. Criteria: Invitae Variant Classification Sherloc (09022015). Collection method: clinical testing. Allele origin: germline.
Comment: This sequence change replaces arginine, which is basic and polar, with histidine, which is basic and polar, at codon 681 of the XPR1 protein (p.Arg681His). This variant is present in population databases (rs532289852, gnomAD 0.007%). This variant has not been reported in the literature in individuals affected with XPR1-related conditions. Algorithms developed to predict the effect of missense changes on protein structure and function are either unavailable or do not agree on the potential impact of this missense change (SIFT: "Tolerated"; PolyPhen-2: "Possibly Damaging"; Align-GVGD: "Class C0"). In summary, the available evidence is currently insufficient to determine the role of this variant in disease. Therefore, it has been classified as a Variant of Uncertain Significance.

NM_004736.4(XPR1):c.2042G>A (p.Arg681His)

Gene: XPR1 (xenotropic and polytropic retrovirus receptor 1; plus strand). Cytogenetic location: 1q25.3.
Variant type: single nucleotide variant.
Coding change: c.2042G>A on transcript NM_004736.4 (MANE Select); coding-DNA position 2042, G replaced by A.
Protein change: p.Arg681His; replaces arginine 681 with histidine.
Molecular consequence: missense variant. On other transcripts: non-coding transcript variant (1).
Genome position (GRCh38, 1-based): chr1:180,884,017, G>A. VCF-style: chr1-180884017-G-A. GRCh37 (hg19) VCF-style: chr1-180853153-G-A.
Other names: c.1847G>A, p.Arg616His (NM_001135669.2); short protein forms R616H, R681H.
Identifiers: ClinVar variation 1980623 (VCV001980623.4), dbSNP rs532289852, ClinGen allele CA1272906.